The following is an entry in ClinVar:

NM_001205293.3(CACNA1E):c.1381A>C (p.Lys461Gln)

Gene: CACNA1E (calcium voltage-gated channel subunit alpha1 E; plus strand). Cytogenetic location: 1q25.3.
Variant type: single nucleotide variant.
Coding change: c.1381A>C on transcript NM_001205293.3 (MANE Select); coding-DNA position 1381, A replaced by C.
Protein change: p.Lys461Gln; replaces lysine 461 with glutamine.
Molecular consequence: missense variant.
Genome position (GRCh38, 1-based): chr1:181,717,158, A>C. VCF-style: chr1-181717158-A-C. GRCh37 (hg19) VCF-style: chr1-181686294-A-C.
Other names: c.1381A>C, p.Lys461Gln (NM_000721.4, NM_001205294.2); short protein forms K461Q.
Identifiers: ClinVar variation 4881637 (VCV004881637.2).

ClinVar aggregate classification (germline): Uncertain significance (1 of 4 stars; one submission).

Conditions:
Developmental and epileptic encephalopathy, 69. Also called: EPILEPTIC ENCEPHALOPATHY, EARLY INFANTILE, 69. Identifiers: MedGen C4748988, MONDO:0032657, OMIM 618285.

Submission:

Dasa
Classification: Uncertain significance for Developmental and epileptic encephalopathy, 69. Last evaluated: 2026-02-01. Review status: criteria provided, single submitter. Criteria: DASA Assertion Criteria. Collection method: clinical testing. Allele origin: germline.
Comment: NM_001205293.3(CACNA1E):c.1381A>C (p.Lys461Gln) is a missense variant that results in the substitution of lysine with glutamine. This variant is absent from population databases. Computational prediction algorithms are consistent with a deleterious effect. The currently available literature and clinical evidence are not sufficient to establish a definitive association between this variant and the reported condition. Therefore, this variant is classified as a variant of uncertain significance.